The following is an entry in ClinVar:

NM_207034.3(EDN3):c.137G>A (p.Cys46Tyr)

Gene: EDN3 (endothelin 3; plus strand). Cytogenetic location: 20q13.32.
Variant type: single nucleotide variant.
Coding change: c.137G>A on transcript NM_207034.3 (MANE Select); coding-DNA position 137, G replaced by A.
Protein change: p.Cys46Tyr; replaces cysteine 46 with tyrosine.
Molecular consequence: missense variant.
Genome position (GRCh38, 1-based): chr20:59,301,494, G>A. VCF-style: chr20-59301494-G-A. GRCh37 (hg19) VCF-style: chr20-57876549-G-A.
Other names: c.137G>A, p.Cys46Tyr (NM_001302455.2, NM_001302456.2, NM_207032.3 and 1 more transcripts); short protein forms C46Y.
Identifiers: ClinVar variation 2578076 (VCV002578076.1), dbSNP rs777826972, ClinGen allele CA9930279.

ClinVar aggregate classification (germline): Uncertain significance (1 of 4 stars; one submission).

Allele frequency attached by ClinVar (database versions not stated): gnomAD exomes below 0.00001; TOPMed below 0.00001; ExAC 0.00001.
gnomAD v4.1: 2 of 1,613,822 alleles (0.00012%); highest among the groups gnomAD compares: Admixed American, 0.0033%; no homozygotes.

Submission:

GeneDx
Classification: Uncertain significance. Last evaluated: 2023-03-02. Review status: criteria provided, single submitter. Criteria: GeneDx Variant Classification Process June 2021. Collection method: clinical testing. Allele origin: germline. Affected: yes.
Comment: In silico analysis supports that this missense variant does not alter protein structure/function; Has not been previously published as pathogenic or benign to our knowledge